The following is an entry in ClinVar:

ClinVar aggregate classification (germline): Uncertain significance (1 of 4 stars; one submission).

Conditions:
Inborn genetic diseases. Identifiers: MedGen C0950123, MeSH D030342.

Submission:

Ambry Genetics
Classification: Uncertain significance for Inborn genetic diseases. Last evaluated: 2025-08-24. Review status: criteria provided, single submitter. Criteria: Ambry Variant Classification Scheme 2023. Collection method: clinical testing. Allele origin: germline.
Comment: The p.P496L variant (also known as c.1487C>T), located in coding exon 8 of the MECOM gene, results from a C to T substitution at nucleotide position 1487. The proline at codon 496 is replaced by leucine, an amino acid with similar properties. This amino acid position is conserved. In addition, this alteration is predicted to be tolerated by in silico analysis. Based on the available evidence, the clinical significance of this variant remains unclear.

NM_004991.4(MECOM):c.1487C>T (p.Pro496Leu)

Gene: MECOM (MDS1 and EVI1 complex locus; minus strand). Cytogenetic location: 3q26.2.
Variant type: single nucleotide variant.
Coding change: c.1487C>T on transcript NM_004991.4 (MANE Select); coding-DNA position 1487, C replaced by T.
Protein change: p.Pro496Leu; replaces proline 496 with leucine.
Molecular consequence: missense variant. On other transcripts: intron variant (2).
Genome position (GRCh38, 1-based): chr3:169,116,385, G>A on the plus strand (C>T on the coding strand, the complement: MECOM is on the minus strand). VCF-style: chr3-169116385-G-A. GRCh37 (hg19) VCF-style: chr3-168834173-G-A.
Other names: c.1118C>T, p.Pro373Leu (NM_001105077.4); c.923C>T, p.Pro308Leu (NM_001105078.4, NM_001164000.2, NM_001205194.2 and 4 more transcripts); c.926C>T, p.Pro309Leu (NM_001163999.2, NM_001366467.2, NM_001366468.2 and 1 more transcripts); c.1487C>T, p.Pro496Leu (NM_001366466.2); c.1133-618C>T (NM_001366473.2); c.569-618C>T (NM_001366474.2); short protein forms P373L, P496L, P308L, P309L.
Identifiers: ClinVar variation 4105875 (VCV004105875.1).